The following is an entry in ClinVar:

ClinVar aggregate classification (germline): Uncertain significance (1 of 4 stars; one submission).

gnomAD v4.1: 1 of 1,612,952 alleles (0.000062%); highest among the groups gnomAD compares: Non-Finnish European, 0.000085%; no homozygotes.

Submission:

Labcorp Genetics (formerly Invitae), Labcorp
Classification: Uncertain significance. Last evaluated: 2024-12-26. Review status: criteria provided, single submitter. Criteria: Invitae Variant Classification Sherloc (09022015). Collection method: clinical testing. Allele origin: germline.
Comment: This sequence change replaces valine, which is neutral and non-polar, with leucine, which is neutral and non-polar, at codon 168 of the TGFB1 protein (p.Val168Leu). This variant is not present in population databases (gnomAD no frequency). This variant has not been reported in the literature in individuals affected with TGFB1-related conditions. Invitae Evidence Modeling of protein sequence and biophysical properties (such as structural, functional, and spatial information, amino acid conservation, physicochemical variation, residue mobility, and thermodynamic stability) indicates that this missense variant is not expected to disrupt TGFB1 protein function with a negative predictive value of 80%. In summary, the available evidence is currently insufficient to determine the role of this variant in disease. Therefore, it has been classified as a Variant of Uncertain Significance.

NM_000660.7(TGFB1):c.502G>T (p.Val168Leu)

Gene: TGFB1 (transforming growth factor beta 1; minus strand). Cytogenetic location: 19q13.2.
Variant type: single nucleotide variant.
Coding change: c.502G>T on transcript NM_000660.7 (MANE Select); coding-DNA position 502, G replaced by T.
Protein change: p.Val168Leu; replaces valine 168 with leucine.
Molecular consequence: missense variant.
Genome position (GRCh38, 1-based): chr19:41,348,309, C>A on the plus strand (G>T on the coding strand, the complement: TGFB1 is on the minus strand). VCF-style: chr19-41348309-C-A. GRCh37 (hg19) VCF-style: chr19-41854214-C-A.
Other names: short protein forms V168L.
Identifiers: ClinVar variation 3666380 (VCV003666380.2).